The following is an entry in ClinVar:

ClinVar aggregate classification (germline): Uncertain significance (1 of 4 stars; one submission).

Conditions:
Epidermolysis bullosa simplex 3, localized or generalized intermediate, with BP230 deficiency (EBS3). Also called: Epidermolysis bullosa simplex due to BP230 deficiency; Epidermolysis bullosa simplex, autosomal recessive 2. Identifiers: Orphanet 412181, MedGen C3809470, MONDO:0014180, OMIM 615425.
Hereditary sensory and autonomic neuropathy type 6. Also called: HSAN VI; Neuropathy, hereditary sensory and autonomic, type VI. Identifiers: Orphanet 314381, MedGen C3539003, MONDO:0013839, OMIM 614653.

Allele frequency attached by ClinVar (database versions not stated): gnomAD exomes 0.00001.
gnomAD v4.1: 10 of 1,601,670 alleles (0.00062%); highest among the groups gnomAD compares: Non-Finnish European, 0.00085%; no homozygotes.

Submission:

Labcorp Genetics (formerly Invitae), Labcorp
Classification: Uncertain significance for Epidermolysis bullosa simplex 3, localized or generalized intermediate, with BP230 deficiency; Hereditary sensory and autonomic neuropathy type 6. Last evaluated: 2022-09-13. Review status: criteria provided, single submitter. Criteria: Invitae Variant Classification Sherloc (09022015). Collection method: clinical testing. Allele origin: germline.
Comment: This sequence change creates a premature translational stop signal (p.Gln2100*) in the DST gene. While this is not anticipated to result in nonsense mediated decay, it is expected to disrupt the last 550 amino acid(s) of the DST protein. This variant is not present in population databases (gnomAD no frequency). This variant has not been reported in the literature in individuals affected with DST-related conditions. ClinVar contains an entry for this variant (Variation ID: 660580). Experimental studies and prediction algorithms are not available or were not evaluated, and the functional significance of this variant is currently unknown. This variant disrupts the C-terminus of the DST protein. Other variant(s) that disrupt this region (p.Gln2187*) have been observed in individuals with DST-related conditions (PMID: 28558912). This suggests that this may be a clinically significant region of the protein. In summary, the available evidence is currently insufficient to determine the role of this variant in disease. Therefore, it has been classified as a Variant of Uncertain Significance.

Literature cited by the submitters: PubMed 28558912.

NM_001723.7(DST):c.6298C>T (p.Gln2100Ter)

Gene: DST (dystonin; minus strand). Cytogenetic location: 6p12.1.
Variant type: single nucleotide variant.
Coding change: c.6298C>T on transcript NM_001723.7 (MANE Plus Clinical); coding-DNA position 6298, C replaced by T.
Protein change: p.Gln2100Ter; replaces glutamine 2100 with a stop codon.
Molecular consequence: nonsense. On other transcripts: intron variant (10).
Genome position (GRCh38, 1-based): chr6:56,617,169, G>A on the plus strand (C>T on the coding strand, the complement: DST is on the minus strand). VCF-style: chr6-56617169-G-A. GRCh37 (hg19) VCF-style: chr6-56481967-G-A.
Other names: c.4831-2685C>T (NM_001144769.5); c.4930-2685C>T (NM_001374722.1, NM_001374736.1); c.4957-2685C>T (NM_001374734.1); c.4417-2685C>T (NM_001144770.2); c.4297-2685C>T (NM_001374730.1, NM_001386100.1, NM_183380.4 and 1 more transcripts); c.3319-2685C>T (NM_015548.5); short protein forms Q2100*.
Identifiers: ClinVar variation 660580 (VCV000660580.6), dbSNP rs1586758707, ClinGen allele CA364565438.
Genomic context (GRCh38, chr6:56,617,169, plus strand): 5'-TAAGACCGAGTCGCAGCTGCTCAATTGTTCTCATGTCCAGAAGCTTAGCTTCCACCAACT[G>A]CCTGGCAGTCACAGTGTGCCTAAGCCCTTGGAATTTAAATTCATCATCCCTGACTGAACA-3'